The following is an entry in ClinVar:

NM_003123.6(SPN):c.1012C>T (p.Arg338Cys)

Gene: SPN (sialophorin; plus strand). Cytogenetic location: 16p11.2.
Variant type: single nucleotide variant.
Coding change: c.1012C>T on transcript NM_003123.6 (MANE Select); coding-DNA position 1012, C replaced by T.
Protein change: p.Arg338Cys; replaces arginine 338 with cysteine.
Molecular consequence: missense variant.
Genome position (GRCh38, 1-based): chr16:29,664,740, C>T. VCF-style: chr16-29664740-C-T. GRCh37 (hg19) VCF-style: chr16-29676061-C-T.
Other names: c.1012C>T, p.Arg338Cys (NM_001030288.4); short protein forms R338C.
Identifiers: ClinVar variation 4084079 (VCV004084079.8).

ClinVar aggregate classification (germline): Likely benign (1 of 4 stars; one submission).

gnomAD v4.1: 296 of 1,483,082 alleles (0.02%); highest among the groups gnomAD compares: Middle Eastern, 1.1%; 5 homozygotes.

Submission:

CeGaT Center for Human Genetics Tuebingen
Classification: Likely benign. Last evaluated: 2025-07-01. Review status: criteria provided, single submitter. Criteria: CeGaT Center For Human Genetics Tuebingen Variant Classification Criteria Version 2. Collection method: clinical testing. Allele origin: germline. Affected: yes. Observed: 1 variant allele.
Comment: SPN: BP4